The following is an entry in ClinVar:

ClinVar aggregate classification (germline): Uncertain significance (1 of 4 stars; one submission).

Conditions:
HNRNPR-related disorder. Also called: HNRNPR-related condition.

Allele frequency attached by ClinVar (database versions not stated): gnomAD exomes below 0.00001; TOPMed below 0.00001.
gnomAD v4.1: 4 of 1,614,114 alleles (0.00025%); highest among the groups gnomAD compares: Non-Finnish European, 0.00025%; no homozygotes.

Submission:

PreventionGenetics, part of Exact Sciences
Classification: Uncertain significance for HNRNPR-related condition. Last evaluated: 2022-08-19. Review status: criteria provided, single submitter. Criteria: ACMG Guidelines, 2015. Collection method: clinical testing. Allele origin: germline.
Comment: The HNRNPR c.1817C>T variant is predicted to result in the amino acid substitution p.Pro606Leu. To our knowledge, this variant has not been reported in the literature or in a large population database, indicating this variant is rare. At this time, the clinical significance of this variant is uncertain due to the absence of conclusive functional and genetic evidence.

NM_005826.5(HNRNPR):c.1808C>T (p.Pro603Leu)

Gene: HNRNPR (heterogeneous nuclear ribonucleoprotein R; minus strand). Cytogenetic location: 1p36.12.
Variant type: single nucleotide variant.
Coding change: c.1808C>T on transcript NM_005826.5 (MANE Select); coding-DNA position 1808, C replaced by T.
Protein change: p.Pro603Leu; replaces proline 603 with leucine.
Molecular consequence: missense variant.
Genome position (GRCh38, 1-based): chr1:23,310,548, G>A on the plus strand (C>T on the coding strand, the complement: HNRNPR is on the minus strand). VCF-style: chr1-23310548-G-A. GRCh37 (hg19) VCF-style: chr1-23637041-G-A.
Other names: c.1505C>T, p.Pro502Leu (NM_001102397.3); c.1817C>T, p.Pro606Leu (NM_001102398.3); c.1514C>T, p.Pro505Leu (NM_001102399.3); c.1694C>T, p.Pro565Leu (NM_001297620.2); c.1328C>T, p.Pro443Leu (NM_001297621.2); c.1391C>T, p.Pro464Leu (NM_001297622.2); short protein forms P443L, P464L, P502L, P505L, P565L, P603L, P606L.
Identifiers: ClinVar variation 2634546 (VCV002634546.1), dbSNP rs1645289441, ClinGen allele CA339258363.
Genomic context (GRCh38, chr1:23,310,548, plus strand): 5'-AATTCCTGGTTGTCATTATTGTAACCATAGTTACCAGAATAGTCACCACCTTGCTGAAGC[G>A]GCTGCTGAGCGATGGGTTGGGAACCCCAGTTCTGTTGGTTGTTGGTCTGACGACGCTTGG-3'
Protein context (NP_005817.1, residues 593-613): NWGSQPIAQQ[Pro603Leu]LQQGGDYSGN